The following is an entry in ClinVar:

ClinVar aggregate classification (germline): Likely benign (0 of 4 stars; one submission).

Conditions:
INO80-related disorder. Also called: INO80-related condition.

Submission:

PreventionGenetics, part of Exact Sciences
Classification: Likely benign for INO80-related condition. Last evaluated: 2019-06-11. Review status: no assertion criteria provided. Collection method: clinical testing. Allele origin: germline.
Comment: This variant is classified as likely benign based on ACMG/AMP sequence variant interpretation guidelines (Richards et al. 2015 PMID: 25741868, with internal and published modifications).

NM_017553.3(INO80):c.3027T>C (p.Phe1009=)

Genes: INO80 (INO80 complex ATPase subunit; minus strand), INO80-AS1 (INO80 antisense RNA 1; plus strand). Cytogenetic location: 15q15.1.
Variant type: single nucleotide variant.
Coding change: c.3027T>C on transcript NM_017553.3 (MANE Select); coding-DNA position 3027, T replaced by C.
Protein change: p.Phe1009=; no amino-acid change (phenylalanine 1009 retained).
Molecular consequence: synonymous variant. On other transcripts: non-coding transcript variant (2).
Genome position (GRCh38, 1-based): chr15:41,027,617, A>G on the plus strand (T>C on the coding strand, the complement: INO80 is on the minus strand). VCF-style: chr15-41027617-A-G. GRCh37 (hg19) VCF-style: chr15-41319815-A-G.
Identifiers: ClinVar variation 3033466 (VCV003033466.2), dbSNP rs2542758104, ClinGen allele CA489789286.
Genomic context (GRCh38, chr15:41,027,617, plus strand): 5'-TTGCCATCTATTTCATCTCTTCCCTCCTGGAGCACTTACTCGTGGACTGGCCACACACAA[A>G]AAAGATGGCAGCTCAGTGAGCAGGCAGCGACGCAGCGAGGAGGTAGCTGATCTCCGCTGA-3'
Protein context (NP_060023.1, residues 999-1019): RRCLLTELPS[Phe1009=]LCVASPRVTA